The following is an entry in ClinVar:

NM_000518.4(HBB):c.371C>A (p.Thr124Asn)

Genes: HBB (hemoglobin subunit beta; minus strand), LOC107133510 (origin of replication at HBB; plus strand), LOC110006319 (beta-globin gene 3' regulatory region; plus strand). Cytogenetic location: 11p15.4.
Variant type: single nucleotide variant.
Coding change: c.371C>A on transcript NM_000518.4; coding-DNA position 371, C replaced by A.
Protein change: p.Thr124Asn; replaces threonine 124 with asparagine.
Molecular consequence: missense variant (on NM_000518.5).
Genome position (GRCh38, 1-based): chr11:5,225,671, G>T on the plus strand (C>A on the coding strand, the complement: HBB is on the minus strand). VCF-style: chr11-5225671-G-T. GRCh37 (hg19) VCF-style: chr11-5246901-G-T.
Other names: T123N; c.371C>A, p.Thr124Asn (NM_000518.5); short protein forms T124N.
Identifiers: ClinVar variation 15584 (VCV000015584.9), dbSNP rs33935383, ClinGen allele CA125490.

ClinVar aggregate classification (germline): Uncertain significance. Review status: criteria provided, multiple submitters, no conflicts (2 of 4 stars). 4 submissions from 4 submitters: Uncertain significance (3). 1 of the submissions does not count toward it. Last evaluated 2024-01-31.

Conditions:
Hb SS disease (SCD). Also called: Hemoglobin SS; Sickle cell anemia; Sickle cell disease; HbS disease; Hemoglobin S Disease; Sickling disorder due to hemoglobin S. Identifiers: Orphanet 232, Orphanet 275752, MedGen C0002895, MONDO:0011382, OMIM 603903.
Heinz body anemia. Also called: Heinz body hemolytic anemia. Identifiers: Orphanet 178330, MedGen C0700299, MONDO:0007705, OMIM 140700, HP:0005511.
alpha Thalassemia. Also called: Alpha thalassemia spectrum. Identifiers: Orphanet 846, MedGen C0002312, MONDO:0011399, OMIM 604131.
Dominant beta-thalassemia. Also called: Beta-thalassemia, dominant inclusion body type. Identifiers: Orphanet 231226, Orphanet 848, MedGen C1858990, MONDO:0011381, OMIM 603902.
Beta-thalassemia HBB/LCRB. Identifiers: MedGen CN322236, MONDO:0013517, OMIM 613985.
Erythrocytosis, familial, 6. Also called: POLYCYTHEMIA, BETA-GLOBIN TYPE; ERYTHROCYTOSIS, BETA-GLOBIN TYPE. Identifiers: MedGen C4693822, MONDO:0054801, OMIM 617980.
METHEMOGLOBINEMIA, BETA TYPE. Also called: Methemoglobinemia, beta-globin type. Identifiers: MedGen C1840779, OMIM 617971.
Malaria, susceptibility to. Identifiers: Orphanet 673, MedGen C1970028, MONDO:0021024, OMIM 611162.
Hereditary persistence of fetal hemoglobin. Identifiers: MedGen C0019025, MONDO:0020989, OMIM 141749.
HEMOGLOBIN ERNZ.
beta Thalassemia (BTHAL). Also called: Cooley's anemia; Erythroblastic anemia; Mediterranean anemia. Identifiers: Orphanet 848, MedGen C0005283, MONDO:0019402. Disease mechanism: loss of function.

Allele frequency attached by ClinVar (database versions not stated): gnomAD 0.00001.
gnomAD v4.1: 21 of 1,613,884 alleles (0.0013%); highest among the groups gnomAD compares: Middle Eastern, 0.049%; no homozygotes.

Submissions (4):

Women's Health and Genetics/Laboratory Corporation of America, LabCorp
Classification: Uncertain significance. Last evaluated: 2024-01-31. Review status: criteria provided, single submitter. Criteria: LabCorp Variant Classification Summary - May 2015. Collection method: clinical testing. Allele origin: germline.
Comment: Variant summary: HBB c.371C>A (p.Thr124Asn) results in a non-conservative amino acid change located in the Globin domain (IPR000971) of the encoded protein sequence. Three of five in-silico tools predict a damaging effect of the variant on protein function. The variant allele was found at a frequency of 8e-06 in 251294 control chromosomes (gnomAD). The available data on variant occurrences in the general population are insufficient to allow any conclusion about variant significance. Furthermore, the variant was detected in compound heterozygosity with Hb S in 3 siblings that were clinically and hematologically normal, with the authors concluding that it is a silent Hb variant not causing any pathology (Gunesacar_2012). Multiple other studies have reported the variant in carrier individuals (e.g. Giambona_2008, Alibakhshi_2019, Arpaci_2021). In several of these publications, the authors suggest the variant represents a benign/neutral polymorphism (e.g., Groff_2000, Gunesacar_2012, Fouladi_2007, Shojaei_2024). To our knowledge, no experimental evidence demonstrating an impact on protein function has been reported. The following publications have been ascertained in the context of this evaluation (PMID: 31096791, 33851260, 32126744, 18603555, 11186258, 37826942). ClinVar contains an entry for this variant (Variation ID: 15584). Based on the evidence outlined above, the variant was classified as VUS-possibly benign.

Fulgent Genetics
Classification: Uncertain significance for Heinz body anemia; Hereditary persistence of fetal hemoglobin; Dominant beta-thalassemia; Hb SS disease; alpha Thalassemia; Malaria, susceptibility to; Beta-thalassemia HBB/LCRB; METHEMOGLOBINEMIA, BETA TYPE; Erythrocytosis, familial, 6. Last evaluated: 2022-04-08. Review status: criteria provided, single submitter. Criteria: ACMG Guidelines, 2015. Collection method: clinical testing. Allele origin: unknown.

Genome-Nilou Lab
Classification: Uncertain significance for Beta-thalassemia HBB/LCRB. Last evaluated: 2021-07-14. Review status: criteria provided, single submitter. Criteria: ACMG Guidelines, 2015. Collection method: clinical testing. Allele origin: germline. Affected: no.

OMIM
Classification: other for HEMOGLOBIN ERNZ. Last evaluated: 2017-12-12. Review status: no assertion criteria provided. Collection method: literature only. Allele origin: germline. Not counted in ClinVar's aggregate classification.

Literature cited by the submitters: PubMed 11186258 (cited by Women's Health and Genetics/Laboratory Corporation of America, LabCorp and OMIM); PubMed 18603555 (cited by Women's Health and Genetics/Laboratory Corporation of America, LabCorp); PubMed 31096791 (cited by Women's Health and Genetics/Laboratory Corporation of America, LabCorp); PubMed 33851260 (cited by Women's Health and Genetics/Laboratory Corporation of America, LabCorp); PubMed 32126744 (cited by Women's Health and Genetics/Laboratory Corporation of America, LabCorp); PubMed 37826942 (cited by Women's Health and Genetics/Laboratory Corporation of America, LabCorp).